The following is an entry in ClinVar:

NM_004393.6(DAG1):c.853G>A (p.Ala285Thr)

Gene: DAG1 (dystroglycan 1; plus strand). Cytogenetic location: 3p21.31.
Variant type: single nucleotide variant.
Coding change: c.853G>A on transcript NM_004393.6 (MANE Select); coding-DNA position 853, G replaced by A.
Protein change: p.Ala285Thr; replaces alanine 285 with threonine.
Molecular consequence: missense variant.
Genome position (GRCh38, 1-based): chr3:49,531,364, G>A. VCF-style: chr3-49531364-G-A. GRCh37 (hg19) VCF-style: chr3-49568797-G-A.
Other names: c.853G>A, p.Ala285Thr (NM_001165928.4, NM_001177634.3, NM_001177635.3 and 9 more transcripts); c.853G>A (NM_004393.4); short protein forms A285T.
Identifiers: ClinVar variation 1398428 (VCV001398428.5), dbSNP rs78720195, ClinGen allele CA2398969.

ClinVar aggregate classification (germline): Uncertain significance. Review status: criteria provided, multiple submitters, no conflicts (2 of 4 stars). 3 submissions from 3 submitters: Uncertain significance (3). Last evaluated 2025-05-07.

Conditions:
Autosomal recessive limb-girdle muscular dystrophy type 2P. Also called: MUSCULAR DYSTROPHY-DYSTROGLYCANOPATHY, LIMB-GIRDLE, DAG1-RELATED; MUSCULAR DYSTROPHY, LIMB-GIRDLE, TYPE 2P; Limb-Girdle Muscular Dystrophy Type 9C. Identifiers: Orphanet 280333, MedGen C4511963, MONDO:0013440, OMIM 613818.
Muscular dystrophy-dystroglycanopathy (congenital with brain and eye anomalies), type A9. Also called: Muscular dystrophy-dystroglycanopathy (congenital with brain and eye anomalies), type a, 9; WALKER-WARBURG SYNDROME OR MUSCLE-EYE BRAIN DISEASE, DAG1-RELATED. Identifiers: Orphanet 370997, Orphanet 899, MedGen C4225291, MONDO:0014683, OMIM 616538.
Inborn genetic diseases. Identifiers: MedGen C0950123, MeSH D030342.

Allele frequency attached by ClinVar (database versions not stated): gnomAD exomes 0.00009 and 0.00008; 1000 Genomes Project 30x 0.00031; 1000 Genomes Project 0.00040; gnomAD 0.00004 and 0.00007; TOPMed 0.00009; ExAC 0.00010; ESP Exome Variant Server 0.00015.
gnomAD v4.1: 122 of 1,614,100 alleles (0.0076%); highest among the groups gnomAD compares: East Asian, 0.18%; 1 homozygote.

Submissions (3):

Ambry Genetics
Classification: Uncertain significance for Inborn genetic diseases. Last evaluated: 2025-05-07. Review status: criteria provided, single submitter. Criteria: Ambry Variant Classification Scheme 2023. Collection method: clinical testing. Allele origin: germline.

Revvity Omics, Revvity
Classification: Uncertain significance. Last evaluated: 2024-07-24. Review status: criteria provided, single submitter. Criteria: ACMG Guidelines, 2015. Collection method: clinical testing. Allele origin: germline.

Labcorp Genetics (formerly Invitae), Labcorp
Classification: Uncertain significance for Autosomal recessive limb-girdle muscular dystrophy type 2P; Muscular dystrophy-dystroglycanopathy (congenital with brain and eye anomalies), type A9. Last evaluated: 2022-09-07. Review status: criteria provided, single submitter. Criteria: Invitae Variant Classification Sherloc (09022015). Collection method: clinical testing. Allele origin: germline.
Comment: This sequence change replaces alanine, which is neutral and non-polar, with threonine, which is neutral and polar, at codon 285 of the DAG1 protein (p.Ala285Thr). This variant is present in population databases (rs78720195, gnomAD 0.1%). This variant has not been reported in the literature in individuals affected with DAG1-related conditions. ClinVar contains an entry for this variant (Variation ID: 1398428). Algorithms developed to predict the effect of missense changes on protein structure and function output the following: SIFT: "Tolerated"; PolyPhen-2: "Benign"; Align-GVGD: "Class C0". The threonine amino acid residue is found in multiple mammalian species, which suggests that this missense change does not adversely affect protein function. In summary, the available evidence is currently insufficient to determine the role of this variant in disease. Therefore, it has been classified as a Variant of Uncertain Significance.